The following is an entry in ClinVar:

ClinVar aggregate classification (germline): Pathogenic (1 of 4 stars; one submission).

Conditions:
Congenital lactic acidosis, Saguenay-Lac-Saint-Jean type (MC4DN5). Also called: CYTOCHROME c OXIDASE DEFICIENCY, FRENCH CANADIAN TYPE; COX DEFICIENCY, FRENCH CANADIAN TYPE; MITOCHONDRIAL COMPLEX IV DEFICIENCY, NUCLEAR TYPE 5. Identifiers: Orphanet 70472, MedGen C1857355, MONDO:0009069, OMIM 220111.

Submission:

Myriad Genetics, Inc.
Classification: Pathogenic for Congenital lactic acidosis, Saguenay-Lac-Saint-Jean type. Last evaluated: 2023-11-29. Review status: criteria provided, single submitter. Criteria: Myriad Autosomal Dominant, Autosomal Recessive and X-Linked Classification Criteria (2023). Collection method: clinical testing. Allele origin: unknown.
Comment: NM_133259.3(LRPPRC):c.2117_2119delAATinsTC(E706Vfs*12) is expected to be pathogenic in the context of Leigh syndrome, French-Canadian type. This variant is predicted to lead to an abnormal or absent protein product due to the creation of a premature termination codon in LRPPRC, a gene where loss-of-function variants are known to be pathogenic. Please note: this variant was assessed in the context of healthy population screening.

NM_133259.4(LRPPRC):c.2117_2119delinsTC (p.Glu706fs)

Gene: LRPPRC (leucine rich pentatricopeptide repeat containing; minus strand). Cytogenetic location: 2p21.
Variant type: Indel.
Coding change: c.2117_2119delinsTC on transcript NM_133259.4 (MANE Select); coding-DNA positions 2117 to 2119, AAT replaced by TC.
Protein change: p.Glu706fs; shifts the reading frame from glutamic acid 706.
Molecular consequence: frameshift variant.
Genome position (GRCh38, 1-based): chr2:43,946,204-43,946,206, ATT replaced by GA on the plus strand (AAT replaced by TC on the coding strand, the reverse complement: LRPPRC is on the minus strand). VCF-style: chr2-43946204-ATT-GA. GRCh37 (hg19) VCF-style: chr2-44173343-ATT-GA.
Other names: short protein forms E706fs.
Identifiers: ClinVar variation 5012523 (VCV005012523.1).